The following is an entry in ClinVar:

ClinVar aggregate classification (germline): Conflicting classifications of pathogenicity. Review status: criteria provided, conflicting classifications (1 of 4 stars). 5 submissions from 5 submitters: Uncertain significance (1); Benign (1); Likely benign (2). 1 of the submissions does not count toward it. Last evaluated 2026-01-05.

Conditions:
CUBN-related disorder. Also called: CUBN-related condition.
Imerslund-Grasbeck syndrome type 1 (IGS1). Also called: MEGALOBLASTIC ANEMIA, 1; Imerslund-Gräsbeck syndrome 1; Megaloblastic anemia 1, Finnish type. Identifiers: MedGen C4016819, MONDO:0100156, OMIM 261100.
Imerslund-Grasbeck syndrome. Also called: Megaloblastic anemia due to inborn errors of metabolism; Imerslund-Gräsbeck syndrome; ENTEROCYTE COBALAMIN MALABSORPTION; ENTEROCYTE INTRINSIC FACTOR RECEPTOR, DEFECT OF; PERNICIOUS ANEMIA, JUVENILE, DUE TO SELECTIVE INTESTINAL MALABSORPTION OF VITAMIN B12, WITH PROTEINURIA. Identifiers: Orphanet 35858, MedGen C4551825, MONDO:0009853.

Allele frequency attached by ClinVar (database versions not stated): ExAC 0.00037; TOPMed 0.00037; gnomAD 0.00039 and 0.00042; gnomAD exomes 0.00043 and 0.00077; ESP Exome Variant Server 0.00069.
gnomAD v4.1: 1,172 of 1,613,942 alleles (0.073%); highest among the groups gnomAD compares: Non-Finnish European, 0.088%; 1 homozygote.

Submissions (5):

Labcorp Genetics (formerly Invitae), Labcorp
Classification: Benign for Imerslund-Grasbeck syndrome. Last evaluated: 2026-01-05. Review status: criteria provided, single submitter. Criteria: Invitae Variant Classification Sherloc (09022015). Collection method: clinical testing. Allele origin: germline.

Blueprint Genetics
Classification: Likely benign. Last evaluated: 2024-08-29. Review status: criteria provided, single submitter. Criteria: ACMG Guidelines, 2015. Collection method: clinical testing. Allele origin: germline.

CeGaT Center for Human Genetics Tuebingen
Classification: Likely benign. Last evaluated: 2022-04-01. Review status: criteria provided, single submitter. Criteria: CeGaT Center For Human Genetics Tuebingen Variant Classification Criteria Version 2. Collection method: clinical testing. Allele origin: germline. Affected: yes. Observed: 1 variant allele.
Comment: CUBN: BP4, BP7

Illumina Laboratory Services, Illumina
Classification: Uncertain significance for Imerslund-Grasbeck syndrome type 1. Last evaluated: 2018-01-13. Review status: criteria provided, single submitter. Criteria: ICSL Variant Classification Criteria 13 December 2019. Collection method: clinical testing. Allele origin: germline.

PreventionGenetics, part of Exact Sciences
Classification: Likely benign for CUBN-related condition. Last evaluated: 2020-07-10. Review status: no assertion criteria provided. Collection method: clinical testing. Allele origin: germline. Not counted in ClinVar's aggregate classification.
Comment: This variant is classified as likely benign based on ACMG/AMP sequence variant interpretation guidelines (Richards et al. 2015 PMID: 25741868, with internal and published modifications).

NM_001081.4(CUBN):c.3252A>G (p.Gln1084=)

Gene: CUBN (cubilin; minus strand). Cytogenetic location: 10p13.
Variant type: single nucleotide variant.
Coding change: c.3252A>G on transcript NM_001081.4 (MANE Select); coding-DNA position 3252, A replaced by G.
Protein change: p.Gln1084=; no amino-acid change (glutamine 1084 retained).
Molecular consequence: synonymous variant.
Genome position (GRCh38, 1-based): chr10:17,047,491, T>C on the plus strand (A>G on the coding strand, the complement: CUBN is on the minus strand). VCF-style: chr10-17047491-T-C. GRCh37 (hg19) VCF-style: chr10-17089490-T-C.
Identifiers: ClinVar variation 299493 (VCV000299493.40), dbSNP rs142560894, ClinGen allele CA5424721.
Genomic context (GRCh38, chr10:17,047,491, plus strand): 5'-TGTATAATAGTTTCCAATGGCTTCCTCCAAGGAGAAGTTTGTGAAGTGCACTGCAATCAG[T>C]TGGCCAGTTCTCACTGTGATCCGATAAATGCATTCCCAGTTGTTGGGATAATTATTGGGG-3'
Protein context (NP_001072.2, residues 1074-1094): CIYRITVRTG[Gln1084=]LIAVHFTNFS